The following is an entry in ClinVar:

ClinVar aggregate classification (germline): Uncertain significance (1 of 4 stars; one submission).

Submission:

GeneDx
Classification: Uncertain significance. Last evaluated: 2024-11-19. Review status: criteria provided, single submitter. Criteria: GeneDx Variant Classification Process June 2021. Collection method: clinical testing. Allele origin: germline. Affected: yes.
Comment: Not observed at significant frequency in large population cohorts (gnomAD); Has not been previously published as pathogenic or benign to our knowledge; In silico analysis does not support a benign or deleterious effect of this variant on protein structure/ function

NM_001287491.2(TET3):c.3724G>T (p.Val1242Leu)

Gene: TET3 (tet methylcytosine dioxygenase 3; plus strand). Cytogenetic location: 2p13.1.
Variant type: single nucleotide variant.
Coding change: c.3724G>T on transcript NM_001287491.2 (MANE Select); coding-DNA position 3724, G replaced by T.
Protein change: p.Val1242Leu; replaces valine 1242 with leucine.
Molecular consequence: missense variant.
Genome position (GRCh38, 1-based): chr2:74,100,512, G>T. VCF-style: chr2-74100512-G-T. GRCh37 (hg19) VCF-style: chr2-74327639-G-T.
Other names: c.3445G>T, p.Val1149Leu (NM_001366022.1); short protein forms V1149L, V1242L.
Identifiers: ClinVar variation 3899439 (VCV003899439.1).